The following is an entry in ClinVar:

NM_000138.5(FBN1):c.2579G>A (p.Gly860Glu)

Gene: FBN1 (fibrillin 1; minus strand). Cytogenetic location: 15q21.1.
Variant type: single nucleotide variant.
Coding change: c.2579G>A on transcript NM_000138.5 (MANE Select); coding-DNA position 2579, G replaced by A.
Protein change: p.Gly860Glu; replaces glycine 860 with glutamic acid.
Molecular consequence: missense variant.
Genome position (GRCh38, 1-based): chr15:48,495,221, C>T on the plus strand (G>A on the coding strand, the complement: FBN1 is on the minus strand). VCF-style: chr15-48495221-C-T. GRCh37 (hg19) VCF-style: chr15-48787418-C-T.
Other names: c.2579G>A, p.Gly860Glu (NM_001406716.1); short protein forms G860E.
Identifiers: ClinVar variation 3073835 (VCV003073835.2), dbSNP rs757219243, ClinGen allele CA048111.

ClinVar aggregate classification (germline): Uncertain significance. Review status: criteria provided, single submitter (1 of 4 stars). 2 submissions from 2 submitters: Uncertain significance (1). 1 of the submissions does not count toward it. Last evaluated 2023-10-06.

Conditions:
Marfan syndrome (MFS). Also called: MARFAN SYNDROME, TYPE I; Marfan syndrome type 1; Marfan's syndrome; Marfan syndrome, classic; FBN1-Related Marfan Syndrome. Identifiers: Orphanet 284963, Orphanet 558, MedGen C0024796, MONDO:0007947, OMIM 154700.

Allele frequency attached by ClinVar (database versions not stated): ExAC 0.00001; gnomAD exomes 0.00001.

Submissions (2):

All of Us Research Program, National Institutes of Health
Classification: Uncertain significance for Marfan syndrome. Last evaluated: 2023-10-06. Review status: criteria provided, single submitter. Criteria: ACMG Guidelines, 2015. Collection method: clinical testing. Allele origin: germline. Inheritance: Autosomal dominant inheritance. Observed: 1 variant allele, 1 heterozygote.
Comment: This missense variant replaces glycine with glutamic acid at codon 860 of the FBN1 protein. Computational prediction suggests that this variant may have deleterious impact on protein structure and function (internally defined REVEL score threshold >= 0.7, PMID: 27666373). To our knowledge, functional studies have not been reported for this variant. This variant has not been reported in individuals affected with FBN1-related disorders in the literature. This variant has been identified in 1/251440 chromosomes in the general population by the Genome Aggregation Database (gnomAD). The available evidence is insufficient to determine the role of this variant in disease conclusively. Therefore, this variant is classified as a Variant of Uncertain Significance.

This study involves interpretation of variants in research participants for the purpose of population health screening. Participant phenotype was not available at the time of variant classification. Additional details can be found in publication PMID: 35346344, PMCID: PMC8962531

Department of Laboratory Medicine and Genetics, Samsung Medical Center
Classification: Uncertain significance for Marfan syndrome. Last evaluated: 2025-01-02. Review status: no assertion criteria provided. Collection method: clinical testing. Allele origin: germline. Not counted in ClinVar's aggregate classification.
Comment: The NM_000138.5:c.2579G>A is considered to be not rare in the general population database (gnomAD v2.1.1). In summary, the available evidence is currently insufficient to evaluate the pathogenicity of this variant, resulting its classification as a variant of uncertain significance (BS1).

Literature cited by the submitters: PubMed 37558401 (cited by Department of Laboratory Medicine and Genetics, Samsung Medical Center); PubMed 37840311 (cited by Department of Laboratory Medicine and Genetics, Samsung Medical Center).